The following is an entry in ClinVar:

NM_006245.4(PPP2R5D):c.1609G>A (p.Glu537Lys)

Gene: PPP2R5D (protein phosphatase 2 regulatory subunit B'delta; plus strand). Cytogenetic location: 6p21.1.
Variant type: single nucleotide variant.
Coding change: c.1609G>A on transcript NM_006245.4 (MANE Select); coding-DNA position 1609, G replaced by A.
Protein change: p.Glu537Lys; replaces glutamic acid 537 with lysine.
Molecular consequence: missense variant.
Genome position (GRCh38, 1-based): chr6:43,010,935, G>A. VCF-style: chr6-43010935-G-A. GRCh37 (hg19) VCF-style: chr6-42978673-G-A.
Other names: c.1156G>A, p.Glu386Lys (NM_001270476.2); c.1513G>A, p.Glu505Lys (NM_180976.3); c.1291G>A, p.Glu431Lys (NM_180977.3); short protein forms E386K, E431K, E505K, E537K.
Identifiers: ClinVar variation 1325543 (VCV001325543.4), dbSNP rs1410172198, ClinGen allele CA364142379.

ClinVar aggregate classification (germline): Uncertain significance. Review status: criteria provided, multiple submitters, no conflicts (2 of 4 stars). 2 submissions from 2 submitters: Uncertain significance (2). Last evaluated 2022-12-21.

Conditions:
Houge-Janssens syndrome 1. Also called: PPP2R5D-Related Neurodevelopmental Disorder; Hogue-Janssens syndrome 1; INTELLECTUAL DEVELOPMENTAL DISORDER, AUTOSOMAL DOMINANT 35; Intellectual disability-macrocephaly-hypotonia-behavioral abnormalities syndrome. Identifiers: Orphanet 457279, MedGen C5779996, MONDO:0014602, OMIM 616355.

Allele frequency attached by ClinVar (database versions not stated): gnomAD exomes below 0.00001; gnomAD 0.00001; TOPMed 0.00002.
gnomAD v4.1: 2 of 1,614,052 alleles (0.00012%); highest among the groups gnomAD compares: African/African-American, 0.0027%; no homozygotes.

Submissions (2):

Labcorp Genetics (formerly Invitae), Labcorp
Classification: Uncertain significance. Last evaluated: 2022-12-21. Review status: criteria provided, single submitter. Criteria: Invitae Variant Classification Sherloc (09022015). Collection method: clinical testing. Allele origin: germline.
Comment: In summary, the available evidence is currently insufficient to determine the role of this variant in disease. Therefore, it has been classified as a Variant of Uncertain Significance. Algorithms developed to predict the effect of missense changes on protein structure and function (SIFT, PolyPhen-2, Align-GVGD) all suggest that this variant is likely to be tolerated. ClinVar contains an entry for this variant (Variation ID: 1325543). This variant has not been reported in the literature in individuals affected with PPP2R5D-related conditions. This variant is not present in population databases (gnomAD no frequency). This sequence change replaces glutamic acid, which is acidic and polar, with lysine, which is basic and polar, at codon 537 of the PPP2R5D protein (p.Glu537Lys).

New York Genome Center
Classification: Uncertain significance for Houge-Janssens syndrome 1. Last evaluated: 2020-04-24. Review status: criteria provided, single submitter. Criteria: NYGC Assertion Criteria 2020. Collection method: clinical testing. Allele origin: inherited. Observed: 1 heterozygote. Study: CSER-NYCKidSeq.
Comment: The inherited c.1609G>A, p.Glu537Lys missense variant in the PPP2R5D gene has not been reported in the available literature. The variant is not presentin the gnomAD database, indicating this is a rare allele. In silico tools, SIFT, PolyPhen, REVEL, and CADD predict conflicting evidence of pathogenicity. Based on the available evidence, the inherited c.1609G>A, p.Glu537Lys variant in the PPP2R5D gene is classified as a variant of uncertain significance.